The following is an entry in ClinVar:

ClinVar aggregate classification (germline): Uncertain significance. Review status: criteria provided, multiple submitters, no conflicts (2 of 4 stars). 2 submissions from 2 submitters: Uncertain significance (2). Last evaluated 2024-03-01.

Conditions:
Inborn genetic diseases. Identifiers: MedGen C0950123, MeSH D030342.
Glanzmann thrombasthenia. Also called: BLEEDING DISORDER, PLATELET-TYPE, 2; THROMBASTHENIA OF GLANZMANN AND NAEGELI; PLATELET GLYCOPROTEIN IIb-IIIa DEFICIENCY; Glanzmann's thrombasthenia; Thrombasthenia. Identifiers: Orphanet 849, MedGen C0040015, MONDO:0100326.

gnomAD v4.1: 41 of 1,612,176 alleles (0.0025%); highest among the groups gnomAD compares: Middle Eastern, 0.017%; no homozygotes.

Submissions (2):

Labcorp Genetics (formerly Invitae), Labcorp
Classification: Uncertain significance for Glanzmann thrombasthenia. Last evaluated: 2024-03-01. Review status: criteria provided, single submitter. Criteria: Invitae Variant Classification Sherloc (09022015). Collection method: clinical testing. Allele origin: germline.
Comment: This sequence change replaces arginine, which is basic and polar, with cysteine, which is neutral and slightly polar, at codon 171 of the ITGA2B protein (p.Arg171Cys). The frequency data for this variant in the population databases is considered unreliable, as metrics indicate poor data quality at this position in the gnomAD database. This variant has not been reported in the literature in individuals affected with ITGA2B-related conditions. ClinVar contains an entry for this variant (Variation ID: 2335990). Advanced modeling of protein sequence and biophysical properties (such as structural, functional, and spatial information, amino acid conservation, physicochemical variation, residue mobility, and thermodynamic stability) has been performed at Invitae for this missense variant, however the output from this modeling did not meet the statistical confidence thresholds required to predict the impact of this variant on ITGA2B protein function. In summary, the available evidence is currently insufficient to determine the role of this variant in disease. Therefore, it has been classified as a Variant of Uncertain Significance.

Ambry Genetics
Classification: Uncertain significance for Inborn genetic diseases. Last evaluated: 2022-12-16. Review status: criteria provided, single submitter. Criteria: Ambry Variant Classification Scheme 2023. Collection method: clinical testing. Allele origin: germline.

NM_000419.5(ITGA2B):c.511C>T (p.Arg171Cys)

Gene: ITGA2B (integrin subunit alpha 2b; minus strand). Cytogenetic location: 17q21.31.
Variant type: single nucleotide variant.
Coding change: c.511C>T on transcript NM_000419.5 (MANE Select); coding-DNA position 511, C replaced by T.
Protein change: p.Arg171Cys; replaces arginine 171 with cysteine.
Molecular consequence: missense variant.
Genome position (GRCh38, 1-based): chr17:44,385,614, G>A on the plus strand (C>T on the coding strand, the complement: ITGA2B is on the minus strand). VCF-style: chr17-44385614-G-A. GRCh37 (hg19) VCF-style: chr17-42462982-G-A.
Other names: short protein forms R171C.
Identifiers: ClinVar variation 2335990 (VCV002335990.4), dbSNP rs749432805, ClinGen allele CA399805822.